The following is an entry in ClinVar:

ClinVar aggregate classification (germline): Benign. Review status: criteria provided, multiple submitters, no conflicts (2 of 4 stars). 2 submissions from 2 submitters: Benign (2). Last evaluated 2018-06-14.

Allele frequency attached by ClinVar (database versions not stated): 1000 Genomes Project 0.12660; 1000 Genomes Project 30x 0.12851; gnomAD exomes 0.13141; gnomAD 0.14008 and 0.14314; TOPMed 0.14610.
gnomAD v4.1: 170,933 of 1,287,006 alleles (13%); highest among the groups gnomAD compares: Middle Eastern, 18%; 11,889 homozygotes.

Submissions (2):

GeneDx
Classification: Benign. Last evaluated: 2018-06-14. Review status: criteria provided, single submitter. Criteria: GeneDx Variant Classification (06012015). Collection method: clinical testing. Allele origin: germline. Affected: yes.
Comment: This variant is considered likely benign or benign based on one or more of the following criteria: it is a conservative change, it occurs at a poorly conserved position in the protein, it is predicted to be benign by multiple in silico algorithms, and/or has population frequency not consistent with disease.

Breakthrough Genomics
Classification: Benign. Review status: criteria provided, single submitter. Criteria: ACMG Guidelines, 2015. Collection method: not provided. Allele origin: germline. Inheritance: Autosomal recessive inheritance. Affected: yes.

NM_012062.5(DNM1L):c.619+98T>C

Gene: DNM1L (dynamin 1 like; plus strand). Cytogenetic location: 12p11.21.
Variant type: single nucleotide variant.
Coding change: c.619+98T>C on transcript NM_012062.5 (MANE Select); 98 bases into the intron after coding-DNA position 619, T replaced by C.
Molecular consequence: intron variant.
Genome position (GRCh38, 1-based): chr12:32,713,469, T>C. VCF-style: chr12-32713469-T-C. GRCh37 (hg19) VCF-style: chr12-32866403-T-C.
Other names: c.658+98T>C (NM_001278464.2, NM_001278465.2, NM_001330380.2); c.131+6056T>C (NM_001278466.2); c.619+98T>C (NM_001278463.2, NM_012063.4, NM_005690.5).
Identifiers: ClinVar variation 673621 (VCV000673621.2), dbSNP rs7958074, ClinGen allele CA235242649.
Genomic context (GRCh38, chr12:32,713,469, plus strand): 5'-ACAATGGTAAATCTACCCTTGAGAAAGGAATTTTTCTCTTTAAAAACAGTATCTCTGGTT[T>C]TGAATACAAATTTAAAAGATAATGCTTTCCTATTTTTGTTTATAAAAATAGAAATTCTGA-3'